The following is an entry in ClinVar:

NM_003906.5(MCM3AP):c.5390T>C (p.Leu1797Ser)

Genes: MCM3AP (minichromosome maintenance complex component 3 associated protein; minus strand), MCM3AP-AS1 (MCM3AP antisense RNA 1; plus strand). Cytogenetic location: 21q22.3.
Variant type: single nucleotide variant.
Coding change: c.5390T>C on transcript NM_003906.5 (MANE Select); coding-DNA position 5390, T replaced by C.
Protein change: p.Leu1797Ser; replaces leucine 1797 with serine.
Molecular consequence: missense variant. On other transcripts: non-coding transcript variant (2).
Genome position (GRCh38, 1-based): chr21:46,242,838, A>G on the plus strand (T>C on the coding strand, the complement: MCM3AP is on the minus strand). VCF-style: chr21-46242838-A-G. GRCh37 (hg19) VCF-style: chr21-47662752-A-G.
Other names: short protein forms L1797S.
Identifiers: ClinVar variation 1801964 (VCV001801964.1), dbSNP rs752165893, ClinGen allele CA10075872.

ClinVar aggregate classification (germline): Uncertain significance (1 of 4 stars; one submission).

Allele frequency attached by ClinVar (database versions not stated): ExAC 0.00001; TOPMed 0.00004.
gnomAD v4.1: 4 of 1,613,466 alleles (0.00025%); highest among the groups gnomAD compares: Admixed American, 0.0033%; no homozygotes.

Submission:

GeneDx
Classification: Uncertain significance. Last evaluated: 2022-06-03. Review status: criteria provided, single submitter. Criteria: GeneDx Variant Classification Process June 2021. Collection method: clinical testing. Allele origin: germline. Affected: yes.
Comment: Not observed at significant frequency in large population cohorts (gnomAD); In silico analysis supports that this missense variant has a deleterious effect on protein structure/function; Has not been previously published as pathogenic or benign to our knowledge